The following is an entry in ClinVar:

NM_003922.4(HERC1):c.4178G>A (p.Arg1393His)

Gene: HERC1 (HECT and RLD domain containing E3 ubiquitin protein ligase family member 1; minus strand). Cytogenetic location: 15q22.31.
Variant type: single nucleotide variant.
Coding change: c.4178G>A on transcript NM_003922.4 (MANE Select); coding-DNA position 4178, G replaced by A.
Protein change: p.Arg1393His; replaces arginine 1393 with histidine.
Molecular consequence: missense variant.
Genome position (GRCh38, 1-based): chr15:63,713,638, C>T on the plus strand (G>A on the coding strand, the complement: HERC1 is on the minus strand). VCF-style: chr15-63713638-C-T. GRCh37 (hg19) VCF-style: chr15-64005837-C-T.
Other names: short protein forms R1393H.
Identifiers: ClinVar variation 1942933 (VCV001942933.5), dbSNP rs775368218, ClinGen allele CA7605853.

ClinVar aggregate classification (germline): Uncertain significance (1 of 4 stars; one submission).

Allele frequency attached by ClinVar (database versions not stated): gnomAD 0.00001; gnomAD exomes 0.00001; TOPMed 0.00001; ExAC 0.00004.
gnomAD v4.1: 18 of 1,611,734 alleles (0.0011%); highest among the groups gnomAD compares: East Asian, 0.0067%; no homozygotes.

Submission:

Labcorp Genetics (formerly Invitae), Labcorp
Classification: Uncertain significance. Last evaluated: 2022-03-11. Review status: criteria provided, single submitter. Criteria: Invitae Variant Classification Sherloc (09022015). Collection method: clinical testing. Allele origin: germline.
Comment: In summary, the available evidence is currently insufficient to determine the role of this variant in disease. Therefore, it has been classified as a Variant of Uncertain Significance. Algorithms developed to predict the effect of missense changes on protein structure and function (SIFT, PolyPhen-2, Align-GVGD) all suggest that this variant is likely to be disruptive. This variant has not been reported in the literature in individuals affected with HERC1-related conditions. This variant is present in population databases (rs775368218, gnomAD 0.01%). This sequence change replaces arginine, which is basic and polar, with histidine, which is basic and polar, at codon 1393 of the HERC1 protein (p.Arg1393His).